The following is an entry in ClinVar:

ClinVar aggregate classification (germline): Uncertain significance (1 of 4 stars; one submission).

Conditions:
TUB-related disorder. Also called: TUB-related condition.

gnomAD v4.1: 1 of 1,613,360 alleles (0.000062%); highest among the groups gnomAD compares: Non-Finnish European, 0.000085%; no homozygotes.

Submission:

PreventionGenetics, part of Exact Sciences
Classification: Uncertain significance for TUB-related condition. Last evaluated: 2026-04-21. Review status: criteria provided, single submitter. Criteria: ACMG Guidelines, 2015. Collection method: clinical testing. Allele origin: germline.
Comment: The TUB c.308T>C variant is predicted to result in the amino acid substitution p.Val103Ala. To our knowledge, this variant has not been reported in the literature. This variant is reported in 0.00091% of alleles in individuals of European (Non-Finnish) descent in gnomAD. At this time, the clinical significance of this variant is uncertain due to the absence of conclusive functional and genetic evidence.

NM_177972.3(TUB):c.143T>C (p.Val48Ala)

Gene: TUB (TUB bipartite transcription factor; plus strand). Cytogenetic location: 11p15.4.
Variant type: single nucleotide variant.
Coding change: c.143T>C on transcript NM_177972.3 (MANE Select); coding-DNA position 143, T replaced by C.
Protein change: p.Val48Ala; replaces valine 48 with alanine.
Molecular consequence: missense variant.
Genome position (GRCh38, 1-based): chr11:8,090,121, T>C. VCF-style: chr11-8090121-T-C. GRCh37 (hg19) VCF-style: chr11-8111668-T-C.
Other names: c.161T>C, p.Val54Ala (NM_001440538.1, NM_001440539.1, NM_001440540.1 and 1 more transcripts); c.143T>C, p.Val48Ala (NM_001440541.1); c.308T>C, p.Val103Ala (NM_003320.5); short protein forms V48A, V103A, V54A.
Identifiers: ClinVar variation 4994651 (VCV004994651.1).